The following is an entry in ClinVar:

ClinVar aggregate classification (germline): other (0 of 4 stars; one submission).

Conditions:
Familial colorectal cancer. Identifiers: MedGen CN280943, MONDO:0023113. Disease mechanism: loss of function.

Submission:

Systems Biology Platform Zhejiang California International NanoSystems Institute
Classification: other for Familial colorectal cancer. Review status: no assertion criteria provided. Collection method: not provided. Allele origin: unknown.
ClinVar note: Converted during submission from cancer to other.

NM_000038.6(APC):c.1744-564A>C

Gene: APC (APC regulator of WNT signaling pathway; plus strand). Cytogenetic location: 5q22.2.
Variant type: single nucleotide variant.
Coding change: c.1744-564A>C on transcript NM_000038.6 (MANE Select); 564 bases into the intron before coding-DNA position 1744, A replaced by C.
Molecular consequence: intron variant.
Genome position (GRCh38, 1-based): chr5:112,834,387, A>C. VCF-style: chr5-112834387-A-C. GRCh37 (hg19) VCF-style: chr5-112170084-A-C.
Other names: c.1744-564A>C (NM_001354895.2, NM_001127510.3); c.1774-564A>C (NM_001354897.2); c.1471-564A>C (NM_001354902.2); c.1690-564A>C (NM_001127511.3); c.1669-564A>C (NM_001354898.2); c.1366-564A>C (NM_001354904.2); c.895-564A>C (NM_001354906.2); c.1798-564A>C (NM_001354896.2); and 5 more.
Identifiers: ClinVar variation 83204 (VCV000083204.2), dbSNP rs78897872, ClinGen allele CA005912.